The following is an entry in ClinVar:

ClinVar aggregate classification (germline): Uncertain significance (1 of 4 stars; one submission).

Conditions:
Hereditary cancer-predisposing syndrome. Also called: Neoplastic Syndromes, Hereditary; Hereditary neoplastic syndrome; Tumor predisposition; Hereditary Cancer Syndrome. Identifiers: Orphanet 140162, MedGen C0027672, MeSH D009386, MONDO:0015356.

Submission:

Ambry Genetics
Classification: Uncertain significance for Hereditary cancer-predisposing syndrome. Last evaluated: 2026-02-21. Review status: criteria provided, single submitter. Criteria: Ambry Variant Classification Scheme 2023. Collection method: clinical testing. Allele origin: germline.
Comment: The p.E1091D variant (also known as c.3273A>T), located in coding exon 21 of the RAD50 gene, results from an A to T substitution at nucleotide position 3273. The glutamic acid at codon 1091 is replaced by aspartic acid, an amino acid with highly similar properties. This amino acid position is conserved. In addition, this alteration is predicted to be tolerated by in silico analysis. Based on the available evidence, the clinical significance of this variant remains unclear.

NM_005732.4(RAD50):c.3273A>T (p.Glu1091Asp)

Gene: RAD50 (RAD50 double strand break repair protein; plus strand). Cytogenetic location: 5q31.1.
Variant type: single nucleotide variant.
Coding change: c.3273A>T on transcript NM_005732.4 (MANE Select); coding-DNA position 3273, A replaced by T.
Protein change: p.Glu1091Asp; replaces glutamic acid 1091 with aspartic acid.
Molecular consequence: missense variant.
Genome position (GRCh38, 1-based): chr5:132,618,178, A>T. VCF-style: chr5-132618178-A-T. GRCh37 (hg19) VCF-style: chr5-131953870-A-T.
Other names: short protein forms E1091D.
Identifiers: ClinVar variation 4824500 (VCV004824500.1).